The following is an entry in ClinVar:

ClinVar aggregate classification (germline): Uncertain significance. Review status: criteria provided, multiple submitters, no conflicts (2 of 4 stars). 2 submissions from 2 submitters: Uncertain significance (2). Last evaluated 2025-04-30.

Conditions:
Inborn genetic diseases. Identifiers: MedGen C0950123, MeSH D030342.

Allele frequency attached by ClinVar (database versions not stated): gnomAD exomes below 0.00001 and 0.00001; TOPMed below 0.00001; gnomAD 0.00002.
gnomAD v4.1: 17 of 1,613,850 alleles (0.0011%); highest among the groups gnomAD compares: Non-Finnish European, 0.0013%; no homozygotes.

Submissions (2):

Ambry Genetics
Classification: Uncertain significance for Inborn genetic diseases. Last evaluated: 2025-04-30. Review status: criteria provided, single submitter. Criteria: Ambry Variant Classification Scheme 2023. Collection method: clinical testing. Allele origin: germline.

Labcorp Genetics (formerly Invitae), Labcorp
Classification: Uncertain significance. Last evaluated: 2023-06-29. Review status: criteria provided, single submitter. Criteria: Invitae Variant Classification Sherloc (09022015). Collection method: clinical testing. Allele origin: germline.
Comment: This sequence change replaces alanine, which is neutral and non-polar, with valine, which is neutral and non-polar, at codon 699 of the MYO1E protein (p.Ala699Val). This variant is present in population databases (no rsID available, gnomAD 0.002%). This variant has not been reported in the literature in individuals affected with MYO1E-related conditions. ClinVar contains an entry for this variant (Variation ID: 1407641). Advanced modeling of protein sequence and biophysical properties (such as structural, functional, and spatial information, amino acid conservation, physicochemical variation, residue mobility, and thermodynamic stability) has been performed at Invitae for this missense variant, however the output from this modeling did not meet the statistical confidence thresholds required to predict the impact of this variant on MYO1E protein function. In summary, the available evidence is currently insufficient to determine the role of this variant in disease. Therefore, it has been classified as a Variant of Uncertain Significance.

NM_004998.4(MYO1E):c.2096C>T (p.Ala699Val)

Gene: MYO1E (myosin IE; minus strand). Cytogenetic location: 15q22.2.
Variant type: single nucleotide variant.
Coding change: c.2096C>T on transcript NM_004998.4 (MANE Select); coding-DNA position 2096, C replaced by T.
Protein change: p.Ala699Val; replaces alanine 699 with valine.
Molecular consequence: missense variant.
Genome position (GRCh38, 1-based): chr15:59,174,194, G>A on the plus strand (C>T on the coding strand, the complement: MYO1E is on the minus strand). VCF-style: chr15-59174194-G-A. GRCh37 (hg19) VCF-style: chr15-59466393-G-A.
Other names: c.2096C>T (NM_004998.2); short protein forms A699V.
Identifiers: ClinVar variation 1407641 (VCV001407641.7), dbSNP rs1320093613, ClinGen allele CA392639095.